The following is an entry in ClinVar:

NM_000404.4(GLB1):c.733+6T>C

Gene: GLB1 (galactosidase beta 1; minus strand). Cytogenetic location: 3p22.3.
Variant type: single nucleotide variant.
Coding change: c.733+6T>C on transcript NM_000404.4 (MANE Select); 6 bases into the intron after coding-DNA position 733, T replaced by C.
Molecular consequence: intron variant.
Genome position (GRCh38, 1-based): chr3:33,058,083, A>G on the plus strand (T>C on the coding strand, the complement: GLB1 is on the minus strand). VCF-style: chr3-33058083-A-G. GRCh37 (hg19) VCF-style: chr3-33099575-A-G.
Other names: c.733+6T>C (NM_001393580.1); c.341-4534T>C (NM_001135602.3); c.877+6T>C (NM_001317040.2); c.643+6T>C (NM_001079811.3).
Identifiers: ClinVar variation 2500729 (VCV002500729.2), dbSNP rs2471397419, ClinGen allele CA2573050719.

ClinVar aggregate classification (germline): Pathogenic (1 of 4 stars; one submission).

Conditions:
GM1 gangliosidosis. Identifiers: Orphanet 354, MedGen C0085131, MONDO:0018149.

Submission:

Victorian Clinical Genetics Services, Murdoch Childrens Research Institute
Classification: Pathogenic for GM1 gangliosidosis. Last evaluated: 2022-02-02. Review status: criteria provided, single submitter. Criteria: ACMG Guidelines, 2015. Collection method: clinical testing. Allele origin: germline. Inheritance: Autosomal recessive inheritance. Affected: yes.
Comment: Based on the classification scheme VCGS_Germline_v1.3.4, this variant is classified as Pathogenic. Following criteria are met: 0102 - Loss of function is a known mechanism of disease in this gene and is associated with GM1-gangliosidosis (MONDO#0018149). (I) 0106 - This gene is associated with autosomal recessive disease. (I) 0210 - Splice site variant proven to affect splicing of the transcript with a known effect on protein sequence. Splicing studies using mRNA derived from this individual’s blood showed exon skipping in the majority of GLB1 transcripts, with trace levels of GLB1 transcripts with normal splicing also detected. The mis-spliced transcripts are predicted to be degraded by nonsense-mediated decay (NMD), while any mis-spliced transcripts that escaped NMD encode GLB1 protein lacking 493 amino acids from the C-terminus. (Splicing Diagnostics, Kids Neuroscience Centre) The outcome of the splicing studies is applicable to both NM_001317040.2 and NM_000404.3 transcripts. (SP) 0252 - This variant is homozygous. (I) 0301 - Variant is absent from gnomAD (both v2 and v3). (SP) 0701 - Other variants predicted to result in a premature termination codon comparable to the one identified in this case have very strong previous evidence for pathogenicity. Many NMD-predicted variants have been reported as likely pathogenic/pathogenic in ClinVar. (SP) 0807 - This variant has no previous evidence of pathogenicity. (I) 0905 - No published segregation evidence has been identified for this variant. (I) 1007 - No published functional evidence has been identified for this variant. (I) Legend: (SP) - Supporting pathogenic, (I) - Information, (SB) - Supporting benign